The following is an entry in ClinVar:

ClinVar aggregate classification (germline): Pathogenic (1 of 4 stars; one submission).

Conditions:
Gorlin syndrome. Also called: Nevoid Basal Cell Carcinoma Syndrome; Basal cell nevus syndrome. Identifiers: Orphanet 377, MedGen C0004779, MONDO:0007187.

Submission:

Labcorp Genetics (formerly Invitae), Labcorp
Classification: Pathogenic for Gorlin syndrome. Last evaluated: 2020-06-16. Review status: criteria provided, single submitter. Criteria: Invitae Variant Classification Sherloc (09022015). Collection method: clinical testing. Allele origin: germline.
Comment: This sequence change creates a premature translational stop signal (p.Lys418Argfs*14) in the PTCH1 gene. It is expected to result in an absent or disrupted protein product. This variant has been observed in individual(s) with nevoid basal cell carcinoma syndrome (NBCCS) (PMID: 29277811). This variant is not present in population databases (ExAC no frequency). Loss-of-function variants in PTCH1 are known to be pathogenic (PMID: 16301862, 16419085). For these reasons, this variant has been classified as Pathogenic.

Literature cited by the submitters: PubMed 29277811; PubMed 16301862; PubMed 16419085.

NM_000264.5(PTCH1):c.1253del (p.Lys418fs)

Gene: PTCH1 (patched 1; minus strand). Cytogenetic location: 9q22.32.
Variant type: Deletion.
Coding change: c.1253del on transcript NM_000264.5 (MANE Select); coding-DNA position 1253, one base deleted (A; older notation c.1253delA).
Protein change: p.Lys418fs; shifts the reading frame from lysine 418.
Molecular consequence: frameshift variant. On other transcripts: non-coding transcript variant (1).
Genome position (GRCh38, 1-based): chr9:95,478,149, T deleted on the plus strand (A on the coding strand, the reverse complement: PTCH1 is on the minus strand); the first of 4 consecutive T bases (chr9:95,478,149-95,478,152); deleting any one gives the same sequence. VCF-style (leftmost placement, unchanged base first): chr9-95478148-CT-C. GRCh37 (hg19) VCF-style: chr9-98240430-CT-C.
Other names: c.1055del, p.Lys352fs (NM_001083602.3); c.1250del, p.Lys417fs (NM_001083603.3); c.800del, p.Lys267fs (NM_001083604.3, NM_001083605.3, NM_001083606.3 and 1 more transcripts); c.1253del, p.Lys418fs (NM_001354918.2); short protein forms K267fs, K352fs, K417fs, K418fs.
Identifiers: ClinVar variation 1072439 (VCV001072439.9), dbSNP rs2118337307, ClinGen allele CA2499220075.